The following is an entry in ClinVar:

NM_001378328.1(CELSR1):c.1810C>T (p.Leu604=)

Gene: CELSR1 (cadherin EGF LAG seven-pass G-type receptor 1; minus strand). Cytogenetic location: 22q13.31.
Variant type: single nucleotide variant.
Coding change: c.1810C>T on transcript NM_001378328.1 (MANE Select); coding-DNA position 1810, C replaced by T.
Protein change: p.Leu604=; no amino-acid change (leucine 604 retained).
Molecular consequence: synonymous variant.
Genome position (GRCh38, 1-based): chr22:46,535,361, G>A on the plus strand (C>T on the coding strand, the complement: CELSR1 is on the minus strand). VCF-style: chr22-46535361-G-A. GRCh37 (hg19) VCF-style: chr22-46931258-G-A.
Other names: c.1810C>T, p.Leu604= (NM_014246.4).
Identifiers: ClinVar variation 3365011 (VCV003365011.1).
Genomic context (GRCh38, chr22:46,535,361, plus strand): 5'-GGGCAGGATTCTTAGGCCCAGCGCTGCCGCCCCCCAGAAAGGTGGAGGCCGTGTCCACCA[G>A]GCGATAGTGCAGCCGGGCGTTCTCTCCAGAGTCCGCGTCCACCGCCTGAATGTGCACCAC-3'
Protein context (NP_001365257.1, residues 594-614): SGENARLHYR[Leu604=]VDTASTFLGG

ClinVar aggregate classification (germline): Uncertain significance (1 of 4 stars; one submission).

Submission:

GeneDx
Classification: Uncertain significance. Last evaluated: 2023-12-05. Review status: criteria provided, single submitter. Criteria: GeneDx Variant Classification Process June 2021. Collection method: clinical testing. Allele origin: germline. Affected: yes.
Comment: Not observed at significant frequency in large population cohorts (gnomAD); In silico analysis supports that this variant does not alter splicing; Has not been previously published as pathogenic or benign to our knowledge